The following is an entry in ClinVar:

NM_144666.3(DNHD1):c.7388-3T>C

Gene: DNHD1 (dynein heavy chain domain 1; plus strand). Cytogenetic location: 11p15.4.
Variant type: single nucleotide variant.
Coding change: c.7388-3T>C on transcript NM_144666.3 (MANE Select); 3 bases into the intron before coding-DNA position 7388, T replaced by C.
Molecular consequence: intron variant.
Genome position (GRCh38, 1-based): chr11:6,556,680, T>C. VCF-style: chr11-6556680-T-C. GRCh37 (hg19) VCF-style: chr11-6577910-T-C.
Identifiers: ClinVar variation 3038805 (VCV003038805.2), dbSNP rs770459890, ClinGen allele CA5856229.
Genomic context (GRCh38, chr11:6,556,680, plus strand): 5'-AACAGGTTGATACTCTCATGTGGACTTTTACATGTCCTCATTATTATTCCTCATGTCCCA[T>C]AGACCCAGAGAAGAGCTGCCAGCCAGTGTTGGAGACTCTGCGCCAGGCCATGGATGGCAC-3'

ClinVar aggregate classification (germline): Likely benign (0 of 4 stars; one submission).

Conditions:
DNHD1-related disorder. Also called: DNHD1-related condition.

Allele frequency attached by ClinVar (database versions not stated): gnomAD exomes 0.00009; gnomAD 0.00010; 1000 Genomes Project 30x 0.00016; TOPMed 0.00016; ExAC 0.00022.
gnomAD v4.1: 145 of 1,538,862 alleles (0.0094%); highest among the groups gnomAD compares: East Asian, 0.25%; no homozygotes.

Submission:

PreventionGenetics, part of Exact Sciences
Classification: Likely benign for DNHD1-related condition. Last evaluated: 2019-05-24. Review status: no assertion criteria provided. Collection method: clinical testing. Allele origin: germline.
Comment: This variant is classified as likely benign based on ACMG/AMP sequence variant interpretation guidelines (Richards et al. 2015 PMID: 25741868, with internal and published modifications).